The following is an entry in ClinVar:

ClinVar aggregate classification (germline): Uncertain significance. Review status: criteria provided, multiple submitters, no conflicts (2 of 4 stars). 2 submissions from 2 submitters: Uncertain significance (2). Last evaluated 2025-10-13.

Conditions:
PRKACG-related disorder. Also called: PRKACG-related condition.

Allele frequency attached by ClinVar (database versions not stated): ESP Exome Variant Server 0.00038.
gnomAD v4.1: 110 of 1,613,786 alleles (0.0068%); highest among the groups gnomAD compares: African/African-American, 0.12%; no homozygotes.

Submissions (2):

PreventionGenetics, part of Exact Sciences
Classification: Uncertain significance for PRKACG-related condition. Last evaluated: 2025-10-13. Review status: criteria provided, single submitter. Criteria: ACMG Guidelines, 2015. Collection method: clinical testing. Allele origin: germline.
Comment: The PRKACG c.449A>T variant is predicted to result in the amino acid substitution p.Gln150Leu. To our knowledge, this variant has not been reported in the literature. This variant is reported in 0.092% of alleles in individuals of African descent in gnomAD. Although we suspect that this variant may be benign, at this time, the clinical significance of this variant is uncertain due to the absence of conclusive functional and genetic evidence.

Ambry Genetics
Classification: Uncertain significance. Last evaluated: 2024-02-13. Review status: criteria provided, single submitter. Criteria: Ambry Variant Classification Scheme 2023. Collection method: clinical testing. Allele origin: germline.

NM_002732.4(PRKACG):c.449A>T (p.Gln150Leu)

Gene: PRKACG (protein kinase cAMP-activated catalytic subunit gamma; minus strand). Cytogenetic location: 9q21.11.
Variant type: single nucleotide variant.
Coding change: c.449A>T on transcript NM_002732.4 (MANE Select); coding-DNA position 449, A replaced by T.
Protein change: p.Gln150Leu; replaces glutamine 150 with leucine.
Molecular consequence: missense variant.
Genome position (GRCh38, 1-based): chr9:69,013,644, T>A on the plus strand (A>T on the coding strand, the complement: PRKACG is on the minus strand). VCF-style: chr9-69013644-T-A. GRCh37 (hg19) VCF-style: chr9-71628560-T-A.
Other names: short protein forms Q150L.
Identifiers: ClinVar variation 2391312 (VCV002391312.3), dbSNP rs147576281, ClinGen allele CA5072499.